The following is an entry in ClinVar:

ClinVar aggregate classification (germline): Uncertain significance (1 of 4 stars; one submission).

Submission:

Labcorp Genetics (formerly Invitae), Labcorp
Classification: Uncertain significance. Last evaluated: 2021-12-13. Review status: criteria provided, single submitter. Criteria: Invitae Variant Classification Sherloc (09022015). Collection method: clinical testing. Allele origin: germline.
Comment: This variant is not present in population databases (gnomAD no frequency). In summary, the available evidence is currently insufficient to determine the role of this variant in disease. Therefore, it has been classified as a Variant of Uncertain Significance. Advanced modeling of protein sequence and biophysical properties (such as structural, functional, and spatial information, amino acid conservation, physicochemical variation, residue mobility, and thermodynamic stability) performed at Invitae indicates that this missense variant is expected to disrupt SLC12A6 protein function. This variant has not been reported in the literature in individuals affected with SLC12A6-related conditions. This sequence change replaces leucine, which is neutral and non-polar, with proline, which is neutral and non-polar, at codon 274 of the SLC12A6 protein (p.Leu274Pro).

NM_001365088.1(SLC12A6):c.821T>C (p.Leu274Pro)

Gene: SLC12A6 (solute carrier family 12 member 6; minus strand). Cytogenetic location: 15q14.
Variant type: single nucleotide variant.
Coding change: c.821T>C on transcript NM_001365088.1 (MANE Select); coding-DNA position 821, T replaced by C.
Protein change: p.Leu274Pro; replaces leucine 274 with proline.
Molecular consequence: missense variant.
Genome position (GRCh38, 1-based): chr15:34,255,317, A>G on the plus strand (T>C on the coding strand, the complement: SLC12A6 is on the minus strand). VCF-style: chr15-34255317-A-G. GRCh37 (hg19) VCF-style: chr15-34547518-A-G.
Other names: c.644T>C, p.Leu215Pro (NM_001042494.2, NM_001042495.2); c.794T>C, p.Leu265Pro (NM_001042496.2); c.776T>C, p.Leu259Pro (NM_001042497.2); c.668T>C, p.Leu223Pro (NM_005135.2); c.821T>C, p.Leu274Pro (NM_133647.2); short protein forms L215P, L223P, L259P, L265P, L274P.
Identifiers: ClinVar variation 2042295 (VCV002042295.4), dbSNP rs2509821347, ClinGen allele CA391610324.